The following is an entry in ClinVar:

ClinVar aggregate classification (germline): Uncertain significance (1 of 4 stars; one submission).

gnomAD v4.1: 4 of 1,579,104 alleles (0.00025%); highest among the groups gnomAD compares: Admixed American, 0.0034%; no homozygotes.

Submission:

GeneDx
Classification: Uncertain significance. Last evaluated: 2023-10-16. Review status: criteria provided, single submitter. Criteria: GeneDx Variant Classification Process June 2021. Collection method: clinical testing. Allele origin: germline. Affected: yes.
Comment: Not observed at significant frequency in large population cohorts (gnomAD); In silico analysis supports that this missense variant has a deleterious effect on protein structure/function; Has not been previously published as pathogenic or benign to our knowledge

NM_001173464.2(KIF21A):c.455A>G (p.Tyr152Cys)

Gene: KIF21A (kinesin family member 21A; minus strand). Cytogenetic location: 12q12.
Variant type: single nucleotide variant.
Coding change: c.455A>G on transcript NM_001173464.2 (MANE Select); coding-DNA position 455, A replaced by G.
Protein change: p.Tyr152Cys; replaces tyrosine 152 with cysteine.
Molecular consequence: missense variant.
Genome position (GRCh38, 1-based): chr12:39,368,028, T>C on the plus strand (A>G on the coding strand, the complement: KIF21A is on the minus strand). VCF-style: chr12-39368028-T-C. GRCh37 (hg19) VCF-style: chr12-39761830-T-C.
Other names: c.455A>G, p.Tyr152Cys (NM_001173463.2, NM_001173465.2, NM_001378439.1 and 3 more transcripts); short protein forms Y152C.
Identifiers: ClinVar variation 3340998 (VCV003340998.1).